The following is an entry in ClinVar:

ClinVar aggregate classification (germline): Uncertain significance (1 of 4 stars; one submission).

Conditions:
Combined oxidative phosphorylation defect type 27. Also called: Combined oxidative phosphorylation deficiency 27. Identifiers: Orphanet 477774, MedGen C5567608, MONDO:0014728, OMIM 616672.

Allele frequency attached by ClinVar (database versions not stated): gnomAD exomes below 0.00001.
gnomAD v4.1: 2 of 1,547,936 alleles (0.00013%); highest among the groups gnomAD compares: Non-Finnish European, 0.00017%; no homozygotes.

Submission:

Labcorp Genetics (formerly Invitae), Labcorp
Classification: Uncertain significance for Combined oxidative phosphorylation defect type 27. Last evaluated: 2020-03-10. Review status: criteria provided, single submitter. Criteria: Invitae Variant Classification Sherloc (09022015). Collection method: clinical testing. Allele origin: germline.
Comment: This variant has not been reported in the literature in individuals with CARS2-related conditions. In summary, the available evidence is currently insufficient to determine the role of this variant in disease. Therefore, it has been classified as a Variant of Uncertain Significance. Nucleotide substitutions within the consensus splice site are a relatively common cause of aberrant splicing (PMID: 17576681, 9536098). Algorithms developed to predict the effect of sequence changes on RNA splicing suggest that this variant may disrupt the consensus splice site, but this prediction has not been confirmed by published transcriptional studies. This variant is not present in population databases (ExAC no frequency). This sequence change falls in intron 14 of the CARS2 gene. It does not directly change the encoded amino acid sequence of the CARS2 protein, but it affects a nucleotide within the consensus splice site of the intron.

Literature cited by the submitters: PubMed 17576681; PubMed 9536098.

NM_024537.4(CARS2):c.1623+4A>G

Gene: CARS2 (cysteinyl-tRNA synthetase 2, mitochondrial; minus strand). Cytogenetic location: 13q34.
Variant type: single nucleotide variant.
Coding change: c.1623+4A>G on transcript NM_024537.4 (MANE Select); 4 bases into the intron after coding-DNA position 1623, A replaced by G.
Molecular consequence: intron variant.
Genome position (GRCh38, 1-based): chr13:110,642,311, T>C on the plus strand (A>G on the coding strand, the complement: CARS2 is on the minus strand). VCF-style: chr13-110642311-T-C. GRCh37 (hg19) VCF-style: chr13-111294658-T-C.
Other names: c.837+4A>G (NM_001352252.2).
Identifiers: ClinVar variation 1014038 (VCV001014038.6), dbSNP rs1887454172, ClinGen allele CA2118948537.